The following is an entry in ClinVar:

NM_000283.4(PDE6B):c.2276T>A (p.Met759Lys)

Gene: PDE6B (phosphodiesterase 6B; plus strand). Cytogenetic location: 4p16.3.
Variant type: single nucleotide variant.
Coding change: c.2276T>A on transcript NM_000283.4 (MANE Select); coding-DNA position 2276, T replaced by A.
Protein change: p.Met759Lys; replaces methionine 759 with lysine.
Molecular consequence: missense variant.
Genome position (GRCh38, 1-based): chr4:666,538, T>A. VCF-style: chr4-666538-T-A. GRCh37 (hg19) VCF-style: chr4-660327-T-A.
Other names: c.2276T>A, p.Met759Lys (NM_001145291.2); c.1439T>A, p.Met480Lys (NM_001145292.2, NM_001350154.3, NM_001379246.1 and 1 more transcripts); c.1121T>A, p.Met374Lys (NM_001350155.3); short protein forms M480K, M759K, M374K.
Identifiers: ClinVar variation 939720 (VCV000939720.9), dbSNP rs1440621071, ClinGen allele CA355920201.
Genomic context (GRCh38, chr4:666,538, plus strand): 5'-CCAGGAGCTGCCTCCCTGGTCACTGTTCTCCCGCCCTCTGTTCCTCCCACCAGCCTATGA[T>A]GGACCGGAACAAGGCGGCCGAGCTCCCCAAGCTGCAAGTGGGCTTCATCGACTTCGTGTG-3'
Protein context (NP_000274.3, residues 749-769): TVLDQQPIPM[Met759Lys]DRNKAAELPK

ClinVar aggregate classification (germline): Uncertain significance (1 of 4 stars; one submission).

Submission:

Labcorp Genetics (formerly Invitae), Labcorp
Classification: Uncertain significance. Last evaluated: 2020-01-28. Review status: criteria provided, single submitter. Criteria: Invitae Variant Classification Sherloc (09022015). Collection method: clinical testing. Allele origin: germline.
Comment: This sequence change replaces methionine with lysine at codon 759 of the PDE6B protein (p.Met759Lys). The methionine residue is highly conserved and there is a moderate physicochemical difference between methionine and lysine. This variant is not present in population databases (ExAC no frequency). This variant has not been reported in the literature in individuals with PDE6B-related conditions. Algorithms developed to predict the effect of missense changes on protein structure and function are either unavailable or do not agree on the potential impact of this missense change (SIFT: "Tolerated"; PolyPhen-2: "Possibly Damaging"; Align-GVGD: "Class C0"). In summary, the available evidence is currently insufficient to determine the role of this variant in disease. Therefore, it has been classified as a Variant of Uncertain Significance.